The following is an entry in ClinVar:

NM_005732.4(RAD50):c.3618+3A>G

Genes: TH2LCRR (T helper type 2 locus control region associated RNA; minus strand), RAD50 (RAD50 double strand break repair protein; plus strand), TH2-LCR (Th2 cytokine locus control region; plus strand). Cytogenetic location: 5q31.1.
Variant type: single nucleotide variant.
Coding change: c.3618+3A>G on transcript NM_005732.4 (MANE Select); 3 bases into the intron after coding-DNA position 3618, A replaced by G.
Molecular consequence: intron variant. On other transcripts: non-coding transcript variant (3).
Genome position (GRCh38, 1-based): chr5:132,638,226, A>G. VCF-style: chr5-132638226-A-G. GRCh37 (hg19) VCF-style: chr5-131973918-A-G.
Identifiers: ClinVar variation 233445 (VCV000233445.14), dbSNP rs876660413, ClinGen allele CA10578609.

ClinVar aggregate classification (germline): Uncertain significance. Review status: criteria provided, multiple submitters, no conflicts (2 of 4 stars). 2 submissions from 2 submitters: Uncertain significance (2). Last evaluated 2026-02-10.

Conditions:
Hereditary cancer-predisposing syndrome. Also called: Tumor predisposition; Hereditary neoplastic syndrome; Hereditary Cancer Syndrome; Neoplastic Syndromes, Hereditary. Identifiers: Orphanet 140162, MedGen C0027672, MeSH D009386, MONDO:0015356.

Allele frequency attached by ClinVar (database versions not stated): gnomAD exomes below 0.00001.
gnomAD v4.1: 2 of 1,614,152 alleles (0.00012%); highest among the groups gnomAD compares: Non-Finnish European, 0.000085%; no homozygotes.

Submissions (2):

Ambry Genetics
Classification: Uncertain significance for Hereditary cancer-predisposing syndrome. Last evaluated: 2026-02-10. Review status: criteria provided, single submitter. Criteria: Ambry Variant Classification Scheme 2023. Collection method: clinical testing. Allele origin: germline.
Comment: The c.3618+3A>G intronic variant results from an A to G substitution 3 nucleotides after coding exon 23 in the RAD50 gene. This nucleotide position is highly conserved in available vertebrate species. In silico splice site analysis predicts that this alteration will not have any significant effect on splicing. Based on the available evidence, the clinical significance of this variant remains unclear.

Labcorp Genetics (formerly Invitae), Labcorp
Classification: Uncertain significance for Hereditary cancer-predisposing syndrome. Last evaluated: 2020-01-17. Review status: criteria provided, single submitter. Criteria: Invitae Variant Classification Sherloc (09022015). Collection method: clinical testing. Allele origin: germline.
Comment: In summary, the available evidence is currently insufficient to determine the role of this variant in disease. Therefore, it has been classified as a Variant of Uncertain Significance. Nucleotide substitutions within the consensus splice site are a relatively common cause of aberrant splicing (PMID: 17576681, 9536098). Algorithms developed to predict the effect of sequence changes on RNA splicing suggest that this variant is not likely to affect RNA splicing, but this prediction has not been confirmed by published transcriptional studies. This variant has not been reported in the literature in individuals with RAD50-related conditions. ClinVar contains an entry for this variant (Variation ID: 233445). This variant is not present in population databases (ExAC no frequency). This sequence change falls in intron 23 of the RAD50 gene. It does not directly change the encoded amino acid sequence of the RAD50 protein, but it affects a nucleotide within the consensus splice site of the intron.

Literature cited by the submitters: PubMed 17576681 (cited by Labcorp Genetics (formerly Invitae), Labcorp); PubMed 9536098 (cited by Labcorp Genetics (formerly Invitae), Labcorp).